The following is an entry in ClinVar:

NM_000020.3(ACVRL1):c.1270C>G (p.Pro424Ala)

Gene: ACVRL1 (activin A receptor like type 1; plus strand). Cytogenetic location: 12q13.13.
Variant type: single nucleotide variant.
Coding change: c.1270C>G on transcript NM_000020.3 (MANE Select); coding-DNA position 1270, C replaced by G.
Protein change: p.Pro424Ala; replaces proline 424 with alanine.
Molecular consequence: missense variant.
Genome position (GRCh38, 1-based): chr12:51,919,008, C>G. VCF-style: chr12-51919008-C-G. GRCh37 (hg19) VCF-style: chr12-52312792-C-G.
Other names: c.1270C>G, p.Pro424Ala (NM_001077401.2); short protein forms P424A.
Identifiers: ClinVar variation 1370768 (VCV001370768.6), dbSNP rs1085307419, ClinGen allele CA384903726.
Genomic context (GRCh38, chr12:51,919,008, plus strand): 5'-GTCCCAAGTGATTGTCCTGTCCATTCTCCATTTCCAGGCATCGTGGAGGACTATAGACCA[C>G]CCTTCTATGATGTGGTGCCCAATGACCCCAGCTTTGAGGACATGAAGAAGGTGGTGTGTG-3'
Protein context (NP_000011.2, residues 414-434): VNGIVEDYRP[Pro424Ala]FYDVVPNDPS

ClinVar aggregate classification (germline): Likely pathogenic (1 of 4 stars; one submission).

Conditions:
Telangiectasia, hereditary hemorrhagic, type 2 (HHT2). Also called: ACVRL1-Related Hereditary Hemorrhagic Telangiectasia; Telangiectasia, hereditary hemorrhagic, type II. Identifiers: Orphanet 774, MedGen C1838163, MONDO:0010880, OMIM 600376. Disease mechanism: loss of function.

Submission:

Labcorp Genetics (formerly Invitae), Labcorp
Classification: Likely pathogenic for Telangiectasia, hereditary hemorrhagic, type 2. Last evaluated: 2023-03-10. Review status: criteria provided, single submitter. Criteria: Invitae Variant Classification Sherloc (09022015). Collection method: clinical testing. Allele origin: germline.
Comment: Advanced modeling of protein sequence and biophysical properties (such as structural, functional, and spatial information, amino acid conservation, physicochemical variation, residue mobility, and thermodynamic stability) performed at Invitae indicates that this missense variant is expected to disrupt ACVRL1 protein function. This sequence change replaces proline, which is neutral and non-polar, with alanine, which is neutral and non-polar, at codon 424 of the ACVRL1 protein (p.Pro424Ala). This variant is not present in population databases (gnomAD no frequency). This missense change has been observed in individual(s) with hereditary hemorrhagic telangiectasia (Invitae). ClinVar contains an entry for this variant (Variation ID: 1370768). This variant disrupts the p.Pro424 amino acid residue in ACVRL1. Other variant(s) that disrupt this residue have been determined to be pathogenic (PMID: 20414677, 25970827; Invitae). This suggests that this residue is clinically significant, and that variants that disrupt this residue are likely to be disease-causing. In summary, the currently available evidence indicates that the variant is pathogenic, but additional data are needed to prove that conclusively. Therefore, this variant has been classified as Likely Pathogenic.

Literature cited by the submitters: PubMed 20414677; PubMed 25970827.